The following is an entry in ClinVar:

NM_015450.3(POT1):c.395T>C (p.Met132Thr)

Gene: POT1 (protection of telomeres 1; minus strand). Cytogenetic location: 7q31.33.
Variant type: single nucleotide variant.
Coding change: c.395T>C on transcript NM_015450.3 (MANE Select); coding-DNA position 395, T replaced by C.
Protein change: p.Met132Thr; replaces methionine 132 with threonine.
Molecular consequence: missense variant. On other transcripts: initiator codon variant (1), non-coding transcript variant (3).
Genome position (GRCh38, 1-based): chr7:124,863,501, A>G on the plus strand (T>C on the coding strand, the complement: POT1 is on the minus strand). VCF-style: chr7-124863501-A-G. GRCh37 (hg19) VCF-style: chr7-124503555-A-G.
Other names: c.2T>C, p.Met1Thr (NM_001042594.2); short protein forms M132T, M1T.
Identifiers: ClinVar variation 944114 (VCV000944114.13), dbSNP rs564097106, ClinGen allele CA4465451.
Genomic context (GRCh38, chr7:124,863,501, plus strand): 5'-TTTAGTAATGTCCAAGACGGTGACATATGAGTAGATGCCCAAACACGTAAGGCTTCTACC[A>G]TTTTGTGGTCCTCAGTAGTGAAGTTAAAATACTTGCTTGAAGTGCGAGGTATGATAGGGG-3'
Protein context (NP_056265.2, residues 122-142): YFNFTTEDHK[Met132Thr]VEALRVWAST

ClinVar aggregate classification (germline): Conflicting classifications of pathogenicity. Review status: criteria provided, conflicting classifications (1 of 4 stars). 2 submissions from 2 submitters: Uncertain significance (1); Likely benign (1). Last evaluated 2024-10-29.

Conditions:
Tumor predisposition syndrome 3 (TPDS3). Also called: Glioma susceptibility 9; LONG TELOMERE SYNDROME, POT1-RELATED; POT1 Tumor Predisposition; Melanoma, cutaneous malignant, susceptibility to, 10. Identifiers: Orphanet 618, MedGen C4014476, MONDO:0014368, OMIM 615848.
Hereditary cancer-predisposing syndrome. Also called: Neoplastic Syndromes, Hereditary; Tumor predisposition; Hereditary Cancer Syndrome; Hereditary neoplastic syndrome. Identifiers: Orphanet 140162, MedGen C0027672, MeSH D009386, MONDO:0015356.

Allele frequency attached by ClinVar (database versions not stated): gnomAD exomes 0.00001; ExAC 0.00002.

Submissions (2):

Ambry Genetics
Classification: Likely benign for Hereditary cancer-predisposing syndrome. Last evaluated: 2024-10-29. Review status: criteria provided, single submitter. Criteria: Ambry Variant Classification Scheme 2023. Collection method: clinical testing. Allele origin: germline.

Labcorp Genetics (formerly Invitae), Labcorp
Classification: Uncertain significance for Tumor predisposition syndrome 3. Last evaluated: 2024-05-02. Review status: criteria provided, single submitter. Criteria: Invitae Variant Classification Sherloc (09022015). Collection method: clinical testing. Allele origin: germline.
Comment: This sequence change replaces methionine, which is neutral and non-polar, with threonine, which is neutral and polar, at codon 132 of the POT1 protein (p.Met132Thr). This variant is present in population databases (rs564097106, gnomAD 0.003%). This variant has not been reported in the literature in individuals affected with POT1-related conditions. ClinVar contains an entry for this variant (Variation ID: 944114). Advanced modeling of protein sequence and biophysical properties (such as structural, functional, and spatial information, amino acid conservation, physicochemical variation, residue mobility, and thermodynamic stability) performed at Invitae indicates that this missense variant is not expected to disrupt POT1 protein function with a negative predictive value of 80%. In summary, the available evidence is currently insufficient to determine the role of this variant in disease. Therefore, it has been classified as a Variant of Uncertain Significance.